The following is an entry in ClinVar:

ClinVar aggregate classification (germline): Uncertain significance. Review status: criteria provided, multiple submitters, no conflicts (2 of 4 stars). 3 submissions from 3 submitters: Uncertain significance (3). Last evaluated 2024-03-06.

Conditions:
Cardiomyopathy (CMYO). Also called: Cardiomyopathies. Identifiers: Orphanet 167848, MedGen C0878544, MONDO:0004994, HP:0001638. Inheritance: Various modes of inheritance.
Lethal acantholytic epidermolysis bullosa (EBLA). Identifiers: Orphanet 158687, MedGen C1864826, MONDO:0012323, OMIM 609638.
Woolly hair-skin fragility syndrome (WHSF). Identifiers: Orphanet 293165, MedGen C1843292, MONDO:0957307, OMIM 620415.
Arrhythmogenic cardiomyopathy with wooly hair and keratoderma. Also called: PALMOPLANTAR KERATODERMA WITH LEFT VENTRICULAR CARDIOMYOPATHY AND WOOLLY HAIR; Carvajal syndrome; Dilated cardiomyopathy with woolly hair and keratoderma; Arrhythmogenic cardiomyopathy with woolly hair and keratoderma. Identifiers: Orphanet 65282, MedGen C1854063, MONDO:0011581, OMIM 605676.
Cardiomyopathy, dilated, with wooly hair, keratoderma, and tooth agenesis. Also called: Cardiomyopathy, dilated, with woolly hair, keratoderma, and tooth agenesis; Erythrokeratodermia-cardiomyopathy syndrome. Identifiers: Orphanet 476096, Orphanet 65282, MedGen C4014393, MONDO:0014355, OMIM 615821.
Arrhythmogenic right ventricular dysplasia 8 (ARVD8). Also called: ARRHYTHMOGENIC RIGHT VENTRICULAR DYSPLASIA, FAMILIAL, 8; Arrhythmogenic Right Ventricular Dysplasia/Cardiomyopathy 8; ARRHYTHMOGENIC RIGHT VENTRICULAR CARDIOMYOPATHY 8. Identifiers: MedGen C1843896, MONDO:0011831, OMIM 607450.
Keratosis palmoplantaris striata 2. Also called: Keratosis palmoplantaris striata II; KERATODERMA, PALMOPLANTAR, STRIATE FORM II; STRIATE PALMOPLANTAR KERATODERMA II. Identifiers: MedGen C1852127, MONDO:0013034, OMIM 612908.

Allele frequency attached by ClinVar (database versions not stated): gnomAD below 0.00001 and 0.00001; gnomAD exomes below 0.00001; TOPMed below 0.00001.

Submissions (3):

Color Diagnostics, LLC DBA Color Health
Classification: Uncertain significance for Cardiomyopathy. Last evaluated: 2024-03-06. Review status: criteria provided, single submitter. Criteria: ACMG Guidelines, 2015. Collection method: clinical testing. Allele origin: germline.
Comment: This missense variant replaces methionine with threonine at codon 1978 of the DSP protein. Computational prediction suggests that this variant may not impact protein structure and function (internally defined REVEL score threshold <= 0.5, PMID: 27666373). To our knowledge, functional studies have not been reported for this variant. This variant has not been reported in individuals affected with cardiovascular disorders in the literature. This variant has been identified in 1/251406 chromosomes in the general population by the Genome Aggregation Database (gnomAD). The available evidence is insufficient to determine the role of this variant in disease conclusively. Therefore, this variant is classified as a Variant of Uncertain Significance.

All of Us Research Program, National Institutes of Health
Classification: Uncertain significance for Arrhythmogenic cardiomyopathy with wooly hair and keratoderma. Last evaluated: 2023-06-26. Review status: criteria provided, single submitter. Criteria: ACMG Guidelines, 2015. Collection method: clinical testing. Allele origin: germline. Inheritance: Autosomal dominant inheritance. Observed: 1 variant allele, 1 heterozygote.
Comment: This missense variant replaces methionine with threonine at codon 1978 of the DSP protein. Computational prediction suggests that this variant may not impact protein structure and function (internally defined REVEL score threshold <= 0.5, PMID: 27666373). To our knowledge, functional studies have not been reported for this variant. This variant has not been reported in individuals affected with cardiovascular disorders in the literature. This variant has been identified in 1/251406 chromosomes in the general population by the Genome Aggregation Database (gnomAD). The available evidence is insufficient to determine the role of this variant in disease conclusively. Therefore, this variant is classified as a Variant of Uncertain Significance.

This study involves interpretation of variants in research participants for the purpose of population health screening. Participant phenotype was not available at the time of variant classification. Additional details can be found in publication PMID: 35346344, PMCID: PMC8962531

Fulgent Genetics
Classification: Uncertain significance for Arrhythmogenic cardiomyopathy with wooly hair and keratoderma; Arrhythmogenic right ventricular dysplasia 8; Lethal acantholytic epidermolysis bullosa; Keratosis palmoplantaris striata 2; Cardiomyopathy, dilated, with wooly hair, keratoderma, and tooth agenesis. Last evaluated: 2021-08-11. Review status: criteria provided, single submitter. Criteria: ACMG Guidelines, 2015. Collection method: clinical testing. Allele origin: unknown.

NM_004415.4(DSP):c.5933T>C (p.Met1978Thr)

Gene: DSP (desmoplakin; plus strand). Cytogenetic location: 6p24.3.
Variant type: single nucleotide variant.
Coding change: c.5933T>C on transcript NM_004415.4 (MANE Select); coding-DNA position 5933, T replaced by C.
Protein change: p.Met1978Thr; replaces methionine 1978 with threonine.
Molecular consequence: missense variant.
Genome position (GRCh38, 1-based): chr6:7,583,195, T>C. VCF-style: chr6-7583195-T-C. GRCh37 (hg19) VCF-style: chr6-7583428-T-C.
Other names: c.4136T>C, p.Met1379Thr (NM_001008844.3); c.4604T>C, p.Met1535Thr (NM_001319034.2); short protein forms M1379T, M1978T, M1535T.
Identifiers: ClinVar variation 927207 (VCV000927207.7), dbSNP rs1322656621, ClinGen allele CA362689726.